The following is an entry in ClinVar:

ClinVar aggregate classification (germline): Likely pathogenic (1 of 4 stars; one submission).

Conditions:
Autosomal dominant optic atrophy classic form (OPA1). Also called: Optic Atrophy Type 1; KJER-TYPE OPTIC ATROPHY; OPTIC ATROPHY, JUVENILE. Identifiers: Orphanet 98673, MedGen C0338508, MONDO:0008134, OMIM 165500.

Submission:

Center for Human Genetics and Genomic Medicine, Uniklinik Rwth Aachen
Classification: Likely pathogenic for Autosomal dominant optic atrophy classic form. Last evaluated: 2026-01-28. Review status: criteria provided, single submitter. Criteria: ACMG Guidelines, 2015. Collection method: clinical testing. Allele origin: germline. Inheritance: Autosomal dominant inheritance. Affected: yes. Observed: 1 variant allele, 1 heterozygote.
Comment: This variant has not yet been reported in the literature or in the ClinVar database. In the general population (gnomAD v4.1.0), it has not yet been detected (PM2_sup). Bioinformatics prediction tools (SpliceAI accessed on January 28, 2026) predict an effect on splicing (PP3). It affects the canonical splice site and thus most likely leads to altered splicing and consequently to loss of function of the corresponding protein. (PVS1_str).

NM_130837.3(OPA1):c.33-2A>C

Gene: OPA1 (OPA1 mitochondrial dynamin like GTPase; plus strand). Cytogenetic location: 3q29.
Variant type: single nucleotide variant.
Coding change: c.33-2A>C on transcript NM_130837.3 (MANE Select); the canonical splice acceptor site of the intron before coding-DNA position 33, A replaced by C.
Molecular consequence: splice acceptor variant.
Genome position (GRCh38, 1-based): chr3:193,614,721, A>C. VCF-style: chr3-193614721-A-C. GRCh37 (hg19) VCF-style: chr3-193332510-A-C.
Other names: c.-340-2A>C (NM_001354664.2, NM_001354663.2); c.33-2A>C (NM_130834.3, NM_130836.3, NM_015560.3 and 4 more transcripts).
Identifiers: ClinVar variation 4857003 (VCV004857003.1).